The following is an entry in ClinVar:

ClinVar aggregate classification (germline): Uncertain significance (1 of 4 stars; one submission).

Submission:

Labcorp Genetics (formerly Invitae), Labcorp
Classification: Uncertain significance. Last evaluated: 2021-01-14. Review status: criteria provided, single submitter. Criteria: Invitae Variant Classification Sherloc (09022015). Collection method: clinical testing. Allele origin: germline.
Comment: In summary, the available evidence is currently insufficient to determine the role of this variant in disease. Therefore, it has been classified as a Variant of Uncertain Significance. Algorithms developed to predict the effect of missense changes on protein structure and function (SIFT, PolyPhen-2, Align-GVGD) all suggest that this variant is likely to be tolerated, but these predictions have not been confirmed by published functional studies and their clinical significance is uncertain. This variant has not been reported in the literature in individuals with SNRNP200-related conditions. This variant is not present in population databases (ExAC no frequency). This sequence change replaces serine with leucine at codon 1638 of the SNRNP200 protein (p.Ser1638Leu). The serine residue is moderately conserved and there is a large physicochemical difference between serine and leucine.

NM_014014.5(SNRNP200):c.4913C>T (p.Ser1638Leu)

Gene: SNRNP200 (small nuclear ribonucleoprotein U5 subunit 200; minus strand). Cytogenetic location: 2q11.2.
Variant type: single nucleotide variant.
Coding change: c.4913C>T on transcript NM_014014.5 (MANE Select); coding-DNA position 4913, C replaced by T.
Protein change: p.Ser1638Leu; replaces serine 1638 with leucine.
Molecular consequence: missense variant.
Genome position (GRCh38, 1-based): chr2:96,283,203, G>A on the plus strand (C>T on the coding strand, the complement: SNRNP200 is on the minus strand). VCF-style: chr2-96283203-G-A. GRCh37 (hg19) VCF-style: chr2-96948941-G-A.
Other names: short protein forms S1638L.
Identifiers: ClinVar variation 1017490 (VCV001017490.8), dbSNP rs2063816128, ClinGen allele CA347662950.